The following is an entry in ClinVar:

ClinVar aggregate classification (germline): Uncertain significance. Review status: criteria provided, multiple submitters, no conflicts (2 of 4 stars). 2 submissions from 2 submitters: Uncertain significance (2). Last evaluated 2024-06-17.

Conditions:
Primary ciliary dyskinesia 28. Also called: CILIARY DYSKINESIA, PRIMARY, 28, WITH OR WITHOUT SITUS INVERSUS. Identifiers: Orphanet 244, MedGen C3809706, MONDO:0014216, OMIM 615505.
Primary ciliary dyskinesia. Also called: Ciliary dyskinesia. Identifiers: Orphanet 244, MedGen C0008780, MONDO:0016575, HP:0012265.

Allele frequency attached by ClinVar (database versions not stated): TOPMed below 0.00001; gnomAD exomes 0.00001.
gnomAD v4.1: 8 of 1,471,346 alleles (0.00054%); highest among the groups gnomAD compares: Non-Finnish European, 0.00072%; no homozygotes.

Submissions (2):

Ambry Genetics
Classification: Uncertain significance for Primary ciliary dyskinesia. Last evaluated: 2024-06-17. Review status: criteria provided, single submitter. Criteria: Ambry Variant Classification Scheme 2023. Collection method: clinical testing. Allele origin: germline.

Labcorp Genetics (formerly Invitae), Labcorp
Classification: Uncertain significance for Primary ciliary dyskinesia 28. Last evaluated: 2020-01-17. Review status: criteria provided, single submitter. Criteria: Invitae Variant Classification Sherloc (09022015). Collection method: clinical testing. Allele origin: germline.
Comment: In summary, the available evidence is currently insufficient to determine the role of this variant in disease. Therefore, it has been classified as a Variant of Uncertain Significance. Algorithms developed to predict the effect of missense changes on protein structure and function (SIFT, PolyPhen-2, Align-GVGD) all suggest that this variant is likely to be tolerated, but these predictions have not been confirmed by published functional studies and their clinical significance is uncertain. This variant has not been reported in the literature in individuals with SPAG1-related conditions. The frequency data for this variant in the population databases is considered unreliable, as metrics indicate insufficient coverage at this position in the ExAC database. This sequence change replaces lysine with glutamine at codon 397 of the SPAG1 protein (p.Lys397Gln). The lysine residue is weakly conserved and there is a small physicochemical difference between lysine and glutamine.

NM_003114.5(SPAG1):c.1189A>C (p.Lys397Gln)

Genes: SPAG1 (sperm associated antigen 1; plus strand), LOC130000832 (ATAC-STARR-seq lymphoblastoid silent region 19412; plus strand). Cytogenetic location: 8q22.2.
Variant type: single nucleotide variant.
Coding change: c.1189A>C on transcript NM_003114.5 (MANE Select); coding-DNA position 1189, A replaced by C.
Protein change: p.Lys397Gln; replaces lysine 397 with glutamine.
Molecular consequence: missense variant.
Genome position (GRCh38, 1-based): chr8:100,213,182, A>C. VCF-style: chr8-100213182-A-C. GRCh37 (hg19) VCF-style: chr8-101225410-A-C.
Other names: c.1189A>C, p.Lys397Gln (NM_001374321.1, NM_172218.3); c.1189A>C (NM_172218.2); short protein forms K397Q.
Identifiers: ClinVar variation 1003797 (VCV001003797.11), dbSNP rs1246342969, ClinGen allele CA371808871.